The following is an entry in ClinVar:

ClinVar aggregate classification (germline): Uncertain significance (1 of 4 stars; one submission).

Submission:

GeneDx
Classification: Uncertain significance. Last evaluated: 2016-01-05. Review status: criteria provided, single submitter. Criteria: GeneDx Variant Classification (06012015). Collection method: clinical testing. Allele origin: germline. Affected: yes.
Comment: The P609S variant has notbeen published as a pathogenic variant, nor has it been reported as a benign variant to our knowledge.It was not observed in approximately 6,500 individuals of European and African American ancestry inthe NHLBI Exome Sequencing Project, indicating it is not a common benign variant in thesepopulations. The P609S variant is a non-conservative amino acid substitution, which is likely toimpact secondary protein structure as these residues differ in polarity, charge, size and/or otherproperties. This substitution occurs at a position that is conserved in mammals. However, in silicoanalysis is inconsistent in its predictions as to whether or not the variant is damaging to the proteinstructure/function. Therefore, based on the currently available information, it is unclear whether thisvariant is a pathogenic variant or a rare benign variant.

NM_181882.3(PRX):c.1825C>T (p.Pro609Ser)

Gene: PRX (periaxin; minus strand). Cytogenetic location: 19q13.2.
Variant type: single nucleotide variant.
Coding change: c.1825C>T on transcript NM_181882.3 (MANE Select); coding-DNA position 1825, C replaced by T.
Protein change: p.Pro609Ser; replaces proline 609 with serine.
Molecular consequence: missense variant. On other transcripts: 3 prime UTR variant (1).
Genome position (GRCh38, 1-based): chr19:40,396,527, G>A on the plus strand (C>T on the coding strand, the complement: PRX is on the minus strand). VCF-style: chr19-40396527-G-A. GRCh37 (hg19) VCF-style: chr19-40902434-G-A.
Other names: c.*2030C>T (NM_020956.2); short protein forms P609S.
Identifiers: ClinVar variation 234731 (VCV000234731.2), dbSNP rs759927281, ClinGen allele CA10577603.
Genomic context (GRCh38, chr19:40,396,527, plus strand): 5'-TCTCTGGGACTTTTGGAAGCTGCACTTCTGGGAGGTGCACATCGGGCACGGCCATCTCGG[G>A]CACCTTCGGGAGTTGCACTTCAGGGAGTTTCATCTCAGGAAGTTTCATCTCAGGCACCTT-3'
Protein context (NP_870998.2, residues 599-619): KLPEVQLPKV[Pro609Ser]EMAVPDVHLP